The following is an entry in ClinVar:

NM_005045.4(RELN):c.6440A>C (p.Lys2147Thr)

Gene: RELN (reelin; minus strand). Cytogenetic location: 7q22.1.
Variant type: single nucleotide variant.
Coding change: c.6440A>C on transcript NM_005045.4 (MANE Select); coding-DNA position 6440, A replaced by C.
Protein change: p.Lys2147Thr; replaces lysine 2147 with threonine.
Molecular consequence: missense variant.
Genome position (GRCh38, 1-based): chr7:103,545,207, T>G on the plus strand (A>C on the coding strand, the complement: RELN is on the minus strand). VCF-style: chr7-103545207-T-G. GRCh37 (hg19) VCF-style: chr7-103185654-T-G.
Other names: c.6440A>C, p.Lys2147Thr (NM_173054.3); short protein forms K2147T.
Identifiers: ClinVar variation 1047797 (VCV001047797.7), dbSNP rs1184255602, ClinGen allele CA368771008.

ClinVar aggregate classification (germline): Uncertain significance. Review status: criteria provided, multiple submitters, no conflicts (2 of 4 stars). 2 submissions from 2 submitters: Uncertain significance (2). Last evaluated 2023-03-27.

Conditions:
Familial temporal lobe epilepsy 7. Identifiers: Orphanet 101046, MedGen C4225327, MONDO:0014639, OMIM 616436.
Norman-Roberts syndrome (LIS2). Also called: Lissencephaly 2 (Norman-Roberts type). Identifiers: Orphanet 89844, MedGen C0796089, MONDO:0009760, OMIM 257320.

Allele frequency attached by ClinVar (database versions not stated): gnomAD exomes below 0.00001; TOPMed below 0.00001; gnomAD 0.00001.
gnomAD v4.1: 4 of 1,614,038 alleles (0.00025%); highest among the groups gnomAD compares: Admixed American, 0.005%; no homozygotes.

Submissions (2):

Labcorp Genetics (formerly Invitae), Labcorp
Classification: Uncertain significance for Familial temporal lobe epilepsy 7; Norman-Roberts syndrome. Last evaluated: 2023-03-27. Review status: criteria provided, single submitter. Criteria: Invitae Variant Classification Sherloc (09022015). Collection method: clinical testing. Allele origin: germline.
Comment: In summary, the available evidence is currently insufficient to determine the role of this variant in disease. Therefore, it has been classified as a Variant of Uncertain Significance. Advanced modeling of protein sequence and biophysical properties (such as structural, functional, and spatial information, amino acid conservation, physicochemical variation, residue mobility, and thermodynamic stability) performed at Invitae indicates that this missense variant is not expected to disrupt RELN protein function. ClinVar contains an entry for this variant (Variation ID: 1047797). This variant has not been reported in the literature in individuals affected with RELN-related conditions. This variant is present in population databases (no rsID available, gnomAD 0.003%). This sequence change replaces lysine, which is basic and polar, with threonine, which is neutral and polar, at codon 2147 of the RELN protein (p.Lys2147Thr).

New York Genome Center
Classification: Uncertain significance for Familial temporal lobe epilepsy 7. Last evaluated: 2020-05-08. Review status: criteria provided, single submitter. Criteria: NYGC Assertion Criteria 2020. Collection method: clinical testing. Allele origin: inherited. Observed: 1 heterozygote. Study: CSER-NYCKidSeq.